The following is an entry in ClinVar:

NM_031272.5(TEX14):c.3172-1926G>A

Gene: TEX14 (testis expressed 14, intercellular bridge forming factor; minus strand). Cytogenetic location: 17q22.
Variant type: single nucleotide variant.
Coding change: c.3172-1926G>A on transcript NM_031272.5 (MANE Select); 1926 bases into the intron before coding-DNA position 3172, G replaced by A.
Molecular consequence: intron variant. On other transcripts: missense variant (2).
Genome position (GRCh38, 1-based): chr17:58,581,657, C>T on the plus strand (G>A on the coding strand, the complement: TEX14 is on the minus strand). VCF-style: chr17-58581657-C-T. GRCh37 (hg19) VCF-style: chr17-56659018-C-T.
Other names: c.3263G>A, p.Gly1088Asp (NM_001201457.2); c.3245G>A, p.Gly1082Asp (NM_198393.4); short protein forms G1082D, G1088D.
Identifiers: ClinVar variation 3061002 (VCV003061002.2), dbSNP rs6503870, ClinGen allele CA8675911.

ClinVar aggregate classification (germline): Benign (0 of 4 stars; one submission).

Conditions:
TEX14-related disorder. Also called: TEX14-related condition.

Allele frequency attached by ClinVar (database versions not stated): ExAC 0.59232; 1000 Genomes Project 0.60743; 1000 Genomes Project 30x 0.60978; TOPMed 0.62149; gnomAD 0.63714; ESP Exome Variant Server 0.65293.
gnomAD v4.1: 994,970 of 1,612,460 alleles (62%); highest among the groups gnomAD compares: African/African-American, 71%; 309,969 homozygotes.

Submission:

PreventionGenetics, part of Exact Sciences
Classification: Benign for TEX14-related condition. Last evaluated: 2019-10-17. Review status: no assertion criteria provided. Collection method: clinical testing. Allele origin: germline.
Comment: This variant is classified as benign based on ACMG/AMP sequence variant interpretation guidelines (Richards et al. 2015 PMID: 25741868, with internal and published modifications).